The following is an entry in ClinVar:

NM_014847.4(UBAP2L):c.1237G>A (p.Ala413Thr)

Gene: UBAP2L (ubiquitin associated protein 2 like; plus strand). Cytogenetic location: 1q21.3.
Variant type: single nucleotide variant.
Coding change: c.1237G>A on transcript NM_014847.4 (MANE Select); coding-DNA position 1237, G replaced by A.
Protein change: p.Ala413Thr; replaces alanine 413 with threonine.
Molecular consequence: missense variant.
Genome position (GRCh38, 1-based): chr1:154,251,064, G>A. VCF-style: chr1-154251064-G-A. GRCh37 (hg19) VCF-style: chr1-154223540-G-A.
Other names: c.1237G>A, p.Ala413Thr (NM_001375623.1, NM_001375624.1, NM_001375626.1 and 14 more transcripts); c.1270G>A, p.Ala424Thr (NM_001375625.1, NM_001287816.1, NM_001330730.1 and 2 more transcripts); c.1216G>A, p.Ala406Thr (NM_001287815.1); short protein forms A406T, A413T, A424T.
Identifiers: ClinVar variation 4533953 (VCV004533953.6).

ClinVar aggregate classification (germline): Likely benign (1 of 4 stars; one submission).

gnomAD v4.1: 938 of 1,612,180 alleles (0.058%); highest among the groups gnomAD compares: South Asian, 0.97%; 12 homozygotes.

Submission:

CeGaT Center for Human Genetics Tuebingen
Classification: Likely benign. Last evaluated: 2025-11-01. Review status: criteria provided, single submitter. Criteria: CeGaT Center For Human Genetics Tuebingen Variant Classification Criteria Version 2. Collection method: clinical testing. Allele origin: germline. Affected: yes. Observed: 1 variant allele.
Comment: UBAP2L: BP4, BS1